The following is an entry in ClinVar:

NM_001122630.2(CDKN1C):c.399_415del (p.Ala134fs)

Gene: CDKN1C (cyclin dependent kinase inhibitor 1C; minus strand). Cytogenetic location: 11p15.4.
Variant type: Deletion.
Coding change: c.399_415del on transcript NM_001122630.2 (MANE Select); coding-DNA positions 399 to 415, 17 bases deleted (GGCGTCCACCCCGCCCC).
Protein change: p.Ala134fs; shifts the reading frame from alanine 134.
Molecular consequence: frameshift variant. On other transcripts: intron variant (1).
Genome position (GRCh38, 1-based): chr11:2,885,042-2,885,058, GGGGCGGGGTGGACGCC deleted on the plus strand (GGCGTCCACCCCGCCCC on the coding strand, the reverse complement: CDKN1C is on the minus strand); deleting any 17 consecutive bases within chr11:2,885,042-2,885,063 gives the same sequence; the c. name uses the placement nearest the transcript's 3' end. VCF-style (leftmost placement, unchanged base first): chr11-2885041-GGGGGCGGGGTGGACGCC-G. GRCh37 (hg19) VCF-style: chr11-2906271-GGGGGCGGGGTGGACGCC-G.
Other names: c.432_448del, p.Ala145fs (NM_000076.2, NM_001362474.2); c.399_415del, p.Ala134fs (NM_001122631.2); c.255+144_255+160del (NM_001362475.2); short protein forms A134fs, A145fs.
Identifiers: ClinVar variation 1071226 (VCV001071226.7), dbSNP rs2133784715, ClinGen allele CA2499220906.
Genomic context (GRCh38, chr11:2,885,041, plus strand): 5'-GCGACCGGAGCCGCGACCGGAGCCGGAGCCGGGGCCGGGGCTGGAGCCAGGACCGGGACT[GGGGGCGGGGTGGACGCC>G]GGGGCCGGGACCGGGACACTAGGCAGCTGCTCCGGCGCCTCCTCGAGGCCGTCGAGGGAC-3'

ClinVar aggregate classification (germline): Pathogenic (1 of 4 stars; one submission).

Conditions:
Beckwith-Wiedemann syndrome (BWS). Also called: EMG SYNDROME; Exomphalos macroglossia gigantism syndrome. Identifiers: Orphanet 116, MedGen C0004903, MONDO:0007534, OMIM 130650.

Submission:

Labcorp Genetics (formerly Invitae), Labcorp
Classification: Pathogenic for Beckwith-Wiedemann syndrome. Last evaluated: 2020-03-26. Review status: criteria provided, single submitter. Criteria: Invitae Variant Classification Sherloc (09022015). Collection method: clinical testing. Allele origin: germline.
Comment: This sequence change creates a premature translational stop signal (p.Ala145Serfs*90) in the CDKN1C gene. It is expected to result in an absent or disrupted protein product. The frequency data for this variant in the population databases is considered unreliable, as metrics indicate insufficient coverage at this position in the ExAC database. This variant has not been reported in the literature in individuals with CDKN1C-related conditions. Loss-of-function variants in CDKN1C are known to be pathogenic (PMID: 20503313). For these reasons, this variant has been classified as Pathogenic.

Literature cited by the submitters: PubMed 20503313.